The following is an entry in ClinVar:

NC_000002.11:g.(?_31598226)_(31805969_?)dup

Genes: SRD5A2 (steroid 5 alpha-reductase 2; minus strand), XDH (xanthine dehydrogenase; minus strand). Cytogenetic location: 2p23.1.
Variant type: Duplication.
Identifiers: ClinVar variation 2422941 (VCV002422941.3).

ClinVar aggregate classification (germline): Uncertain significance. Review status: criteria provided, single submitter (1 of 4 stars). 2 submissions from 1 submitter: Uncertain significance (2). Last evaluated 2022-09-07.

Conditions:
Xanthinuria type II. Also called: Xanthine dehydrogenase and aldehyde oxidase combined deficiency of; XDH and AOX dual deficiency. Identifiers: Orphanet 3467, Orphanet 93602, MedGen C1863688, MONDO:0011346, OMIM 603592.
3-Oxo-5 alpha-steroid delta 4-dehydrogenase deficiency (PPSH). Also called: MALE PSEUDOHERMAPHRODITISM DUE TO 5-ALPHA-REDUCTASE DEFICIENCY; 46,XY disorder of sex development due to 5-alpha-reductase 2 deficiency; PSEUDOVAGINAL PERINEOSCROTAL HYPOSPADIAS; FAMILIAL INCOMPLETE MALE PSEUDOHERMAPHRODITISM, TYPE 2. Identifiers: Orphanet 753, MedGen C0268297, MONDO:0009923, OMIM 264600. Disease mechanism: loss of function.

Submissions (2):

Labcorp Genetics (formerly Invitae), Labcorp
Classification: Uncertain significance for 3-Oxo-5 alpha-steroid delta 4-dehydrogenase deficiency. Last evaluated: 2022-09-07. Review status: criteria provided, single submitter. Criteria: Invitae Variant Classification Sherloc (09022015). Collection method: clinical testing. Allele origin: germline.
Comment: A copy number gain of the genomic region encompassing the full coding sequence of the SRD5A2 gene has been identified. The boundaries of this event are unknown as they extend beyond the assayed region for this gene and therefore may encompass additional genes. As the precise location of this event is unknown, it may be in tandem or it may be located elsewhere in the genome. Isolated whole-gene copy number gains of SRD5A2 have not been reported in the literature. However, larger copy number events that include this gene have been reported (PMID: 18384427). Experimental studies and prediction algorithms are not available or were not evaluated, and the functional significance of this variant is currently unknown. In summary, the available evidence is currently insufficient to determine the role of this variant in disease. Therefore, it has been classified as a Variant of Uncertain Significance.

Labcorp Genetics (formerly Invitae), Labcorp
Classification: Uncertain significance for Xanthinuria type II. Last evaluated: 2022-09-07. Review status: criteria provided, single submitter. Criteria: Invitae Variant Classification Sherloc (09022015). Collection method: clinical testing. Allele origin: germline.
Comment: This variant results in a copy number gain of the genomic region encompassing exon(s) 1-15 of the XDH gene. This region includes the initiator codon of the gene. This copy number gain extends beyond the assayed region for this gene and therefore may encompass additional genes. As the precise location of this event is unknown, it may be in tandem or it may be located elsewhere in the genome. This variant has not been reported in the literature in individuals affected with XDH-related conditions. Experimental studies and prediction algorithms are not available or were not evaluated, and the functional significance of this variant is currently unknown. In summary, the available evidence is currently insufficient to determine the role of this variant in disease. Therefore, it has been classified as a Variant of Uncertain Significance.

Literature cited by the submitters: PubMed 18384427.